The following is an entry in ClinVar:

NM_001384900.1(SEMA3D):c.1397T>C (p.Val466Ala)

Gene: SEMA3D (semaphorin 3D; minus strand). Cytogenetic location: 7q21.11.
Variant type: single nucleotide variant.
Coding change: c.1397T>C on transcript NM_001384900.1 (MANE Select); coding-DNA position 1397, T replaced by C.
Protein change: p.Val466Ala; replaces valine 466 with alanine.
Molecular consequence: missense variant.
Genome position (GRCh38, 1-based): chr7:85,022,408, A>G on the plus strand (T>C on the coding strand, the complement: SEMA3D is on the minus strand). VCF-style: chr7-85022408-A-G. GRCh37 (hg19) VCF-style: chr7-84651724-A-G.
Other names: c.1397T>C, p.Val466Ala (NM_001384901.1, NM_001384902.1, NM_001384903.1 and 1 more transcripts); short protein forms V466A.
Identifiers: ClinVar variation 4996202 (VCV004996202.1).
Genomic context (GRCh38, chr7:85,022,408, plus strand): 5'-GAAAAATTCCTTTTGAAAAAATCCTAATCTAGTTTTAGCTTACCTGTTCCAAGAAACATT[A>G]CATCGTACTGGCCATCTTCTGCAATGACATGATCCACCACTATCTGTGTCAGTCTGTAAT-3'
Protein context (NP_001371829.1, residues 456-476): HVIAEDGQYD[Val466Ala]MFLGTDIGTV

ClinVar aggregate classification (germline): Uncertain significance (1 of 4 stars; one submission).

Conditions:
SEMA3D-related disorder. Also called: SEMA3D-related condition.

Submission:

PreventionGenetics, part of Exact Sciences
Classification: Uncertain significance for SEMA3D-related condition. Last evaluated: 2025-09-17. Review status: criteria provided, single submitter. Criteria: ACMG Guidelines, 2015. Collection method: clinical testing. Allele origin: germline.
Comment: The SEMA3D c.1397T>C variant is predicted to result in the amino acid substitution p.Val466Ala. To our knowledge, this variant has not been reported in the literature or in a large population database (gnomAD), indicating this variant is rare. At this time, the clinical significance of this variant is uncertain due to the absence of conclusive functional and genetic evidence.